The following is an entry in ClinVar:

ClinVar aggregate classification (germline): Benign/Likely benign. Review status: criteria provided, multiple submitters, no conflicts (2 of 4 stars). 5 submissions from 5 submitters: Benign (1); Likely benign (4). Last evaluated 2026-02-02.

Allele frequency attached by ClinVar (database versions not stated): 1000 Genomes Project 30x 0.00016; TOPMed 0.00080.
gnomAD v4.1: 1,996 of 1,614,190 alleles (0.12%); highest among the groups gnomAD compares: Non-Finnish European, 0.11%; 10 homozygotes.

Submissions (5):

Labcorp Genetics (formerly Invitae), Labcorp
Classification: Benign. Last evaluated: 2026-02-02. Review status: criteria provided, single submitter. Criteria: Invitae Variant Classification Sherloc (09022015). Collection method: clinical testing. Allele origin: germline.

Blueprint Genetics
Classification: Likely benign. Last evaluated: 2024-11-20. Review status: criteria provided, single submitter. Criteria: ACMG Guidelines, 2015. Collection method: clinical testing. Allele origin: germline.

CeGaT Center for Human Genetics Tuebingen
Classification: Likely benign. Last evaluated: 2024-11-01. Review status: criteria provided, single submitter. Criteria: CeGaT Center For Human Genetics Tuebingen Variant Classification Criteria Version 2. Collection method: clinical testing. Allele origin: germline. Affected: yes. Observed: 8 variant alleles.
Comment: LAMC3: BP4, BS1

GeneDx
Classification: Likely benign. Last evaluated: 2020-02-25. Review status: criteria provided, single submitter. Criteria: GeneDx Variant Classification Process June 2021. Collection method: clinical testing. Allele origin: germline. Affected: yes.

Breakthrough Genomics
Classification: Likely benign. Review status: criteria provided, single submitter. Criteria: ACMG Guidelines, 2015. Collection method: not provided. Allele origin: germline. Inheritance: Autosomal recessive inheritance. Affected: yes.

NM_006059.4(LAMC3):c.4146G>A (p.Arg1382=)

Gene: LAMC3 (laminin subunit gamma 3; plus strand). Cytogenetic location: 9q34.12.
Variant type: single nucleotide variant.
Coding change: c.4146G>A on transcript NM_006059.4 (MANE Select); coding-DNA position 4146, G replaced by A.
Protein change: p.Arg1382=; no amino-acid change (arginine 1382 retained).
Molecular consequence: synonymous variant.
Genome position (GRCh38, 1-based): chr9:131,085,639, G>A. VCF-style: chr9-131085639-G-A. GRCh37 (hg19) VCF-style: chr9-133961026-G-A.
Identifiers: ClinVar variation 516141 (VCV000516141.38), dbSNP rs147092908, ClinGen allele CA5288059.